The following is an entry in ClinVar:

NM_031935.3(HMCN1):c.2931_2932delinsAA (p.His978Asn)

Gene: HMCN1 (hemicentin 1; plus strand). Cytogenetic location: 1q31.1.
Variant type: Indel.
Coding change: c.2931_2932delinsAA on transcript NM_031935.3 (MANE Select); coding-DNA positions 2931 to 2932, GC replaced by AA.
Protein change: p.His978Asn; replaces histidine 978 with asparagine.
Molecular consequence: missense variant.
Genome position (GRCh38, 1-based): chr1:185,984,309-185,984,310, GC replaced by AA. VCF-style: chr1-185984309-GC-AA. GRCh37 (hg19) VCF-style: chr1-185953441-GC-AA.
Other names: short protein forms H978N.
Identifiers: ClinVar variation 2794909 (VCV002794909.3), dbSNP rs2527367312, ClinGen allele CA2739275461.
Genomic context (GRCh38, chr1:185,984,309, plus strand): 5'-ATATACTTGTGTGGCCAGTAACGTTGCTGGGACCAATAACAAAACTACCTCTGTGGTTGT[GC>AA]ATGGTAAGAGACACACCCAATGTTATTGTTTCGAAACTGTGTTCAAAGTAGTTGTTCTTA-3'
Protein context (NP_114141.2, residues 968-988): TNNKTTSVVV[His978Asn]VLPTIQHGQQ

ClinVar aggregate classification (germline): Uncertain significance (1 of 4 stars; one submission).

Submission:

Labcorp Genetics (formerly Invitae), Labcorp
Classification: Uncertain significance. Last evaluated: 2022-11-15. Review status: criteria provided, single submitter. Criteria: Invitae Variant Classification Sherloc (09022015). Collection method: clinical testing. Allele origin: germline.
Comment: This sequence change replaces histidine, which is basic and polar, with asparagine, which is neutral and polar, at codon 978 of the HMCN1 protein (p.His978Asn). Information on the frequency of this variant in the gnomAD database is not available, as this variant may be reported differently in the database. This variant has not been reported in the literature in individuals affected with HMCN1-related conditions. In summary, the available evidence is currently insufficient to determine the role of this variant in disease. Therefore, it has been classified as a Variant of Uncertain Significance. Experimental studies and prediction algorithms are not available or were not evaluated, and the functional significance of this variant is currently unknown.